The following is an entry in ClinVar:

ClinVar aggregate classification (germline): Uncertain significance. Review status: criteria provided, multiple submitters, no conflicts (2 of 4 stars). 2 submissions from 2 submitters: Uncertain significance (2). Last evaluated 2025-07-24.

Conditions:
FGFR2-related craniosynostosis. Identifiers: MedGen CN231480.

Allele frequency attached by ClinVar (database versions not stated): gnomAD 0.00001 and 0.00002; gnomAD exomes 0.00001 and 0.00002; TOPMed 0.00001; ExAC 0.00002.
gnomAD v4.1: 20 of 1,613,952 alleles (0.0012%); highest among the groups gnomAD compares: South Asian, 0.018%; no homozygotes.

Submissions (2):

Labcorp Genetics (formerly Invitae), Labcorp
Classification: Uncertain significance for FGFR2-related craniosynostosis. Last evaluated: 2025-07-24. Review status: criteria provided, single submitter. Criteria: Invitae Variant Classification Sherloc (09022015). Collection method: clinical testing. Allele origin: germline.
Comment: This sequence change replaces threonine, which is neutral and polar, with alanine, which is neutral and non-polar, at codon 749 of the FGFR2 protein (p.Thr749Ala). This variant is present in population databases (rs754928713, gnomAD 0.02%). This variant has not been reported in the literature in individuals affected with FGFR2-related conditions. ClinVar contains an entry for this variant (Variation ID: 993605). Invitae Evidence Modeling of protein sequence and biophysical properties (such as structural, functional, and spatial information, amino acid conservation, physicochemical variation, residue mobility, and thermodynamic stability) has been performed for this missense variant. However, the output from this modeling did not meet the statistical confidence thresholds required to predict the impact of this variant on FGFR2 protein function. In summary, the available evidence is currently insufficient to determine the role of this variant in disease. Therefore, it has been classified as a Variant of Uncertain Significance.

ARUP Laboratories, Molecular Genetics and Genomics, ARUP Laboratories
Classification: Uncertain significance. Last evaluated: 2020-08-27. Review status: criteria provided, single submitter. Criteria: ARUP Molecular Germline Variant Investigation Process. Collection method: clinical testing. Allele origin: germline.
Comment: The FGFR2 c.2245A>G; p.Thr749Ala variant (rs754928713), to our knowledge, is not reported in the medical literature or gene specific databases. This variant is found in the general population with an overall allele frequency of 0.002 % (5 /251,200 alleles) in the Genome Aggregation Database. The threonine at codon 749 is highly conserved, but computational analyses (SIFT: damaging, PolyPhen-2: benign) predict conflicting effects of this variant on protein structure/function. Due to limited information, the clinical significance of the p.Thr749Ala variant is uncertain at this time.

NM_000141.5(FGFR2):c.2245A>G (p.Thr749Ala)

Gene: FGFR2 (fibroblast growth factor receptor 2; minus strand). Cytogenetic location: 10q26.13.
Variant type: single nucleotide variant.
Coding change: c.2245A>G on transcript NM_000141.5 (MANE Select); coding-DNA position 2245, A replaced by G.
Protein change: p.Thr749Ala; replaces threonine 749 with alanine.
Molecular consequence: missense variant. On other transcripts: non-coding transcript variant (1).
Genome position (GRCh38, 1-based): chr10:121,483,754, T>C on the plus strand (A>G on the coding strand, the complement: FGFR2 is on the minus strand). VCF-style: chr10-121483754-T-C. GRCh37 (hg19) VCF-style: chr10-123243268-T-C.
Other names: c.2248A>G, p.Thr750Ala (NM_001144913.1, NM_022970.4); c.1909A>G, p.Thr637Ala (NM_001144914.1); c.1978A>G, p.Thr660Ala (NM_001144915.2, NM_023029.3); c.1900A>G, p.Thr634Ala (NM_001144916.2); c.1897A>G, p.Thr633Ala (NM_001144917.2); c.1894A>G, p.Thr632Ala (NM_001144918.2); c.1981A>G, p.Thr661Ala (NM_001144919.2); c.1561A>G, p.Thr521Ala (NM_001320654.2); and 1 more; short protein forms T521A, T632A, T633A, T634A, T637A, T660A, T661A, T747A.
Identifiers: ClinVar variation 993605 (VCV000993605.9), dbSNP rs754928713, ClinGen allele CA5720523.